The following is an entry in ClinVar:

NM_001191061.2(SLC25A22):c.588-8C>T

Gene: SLC25A22 (solute carrier family 25 member 22; minus strand). Cytogenetic location: 11p15.5.
Variant type: single nucleotide variant.
Coding change: c.588-8C>T on transcript NM_001191061.2 (MANE Select); 8 bases into the intron before coding-DNA position 588, C replaced by T.
Molecular consequence: intron variant.
Genome position (GRCh38, 1-based): chr11:792,466, G>A on the plus strand (C>T on the coding strand, the complement: SLC25A22 is on the minus strand). VCF-style: chr11-792466-G-A. GRCh37 (hg19) VCF-style: chr11-792466-G-A.
Other names: c.588-8C>T (NM_001191060.2, NM_024698.6).
Identifiers: ClinVar variation 508810 (VCV000508810.1), dbSNP rs778856445, ClinGen allele CA5789124.

ClinVar aggregate classification (germline): Likely benign (1 of 4 stars; one submission).

Allele frequency attached by ClinVar (database versions not stated): gnomAD 0.00001; ExAC 0.00001; TOPMed 0.00002; gnomAD exomes 0.00001.
gnomAD v4.1: 11 of 1,613,100 alleles (0.00068%); highest among the groups gnomAD compares: East Asian, 0.025%; no homozygotes.

Submission:

GeneDx
Classification: Likely benign. Last evaluated: 2017-04-12. Review status: criteria provided, single submitter. Criteria: GeneDx Variant Classification (06012015). Collection method: clinical testing. Allele origin: germline. Affected: yes.
Comment: This variant is considered likely benign or benign based on one or more of the following criteria: it is a conservative change, it occurs at a poorly conserved position in the protein, it is predicted to be benign by multiple in silico algorithms, and/or has population frequency not consistent with disease.